The following is an entry in ClinVar:

ClinVar aggregate classification (germline): Likely benign. Review status: criteria provided, multiple submitters, no conflicts (2 of 4 stars). 3 submissions from 3 submitters: Likely benign (3). Last evaluated 2023-01-01.

Allele frequency attached by ClinVar (database versions not stated): 1000 Genomes Project 30x 0.00062; 1000 Genomes Project 0.00080; gnomAD exomes 0.00148 and 0.00261; gnomAD 0.00169 and 0.00174; TOPMed 0.00169; ESP Exome Variant Server 0.00200; ExAC 0.00231.
gnomAD v4.1: 2,598 of 1,614,094 alleles (0.16%); highest among the groups gnomAD compares: Middle Eastern, 2.1%; 28 homozygotes.

Submissions (3):

CeGaT Center for Human Genetics Tuebingen
Classification: Likely benign. Last evaluated: 2023-01-01. Review status: criteria provided, single submitter. Criteria: CeGaT Center For Human Genetics Tuebingen Variant Classification Criteria Version 2. Collection method: clinical testing. Allele origin: germline. Affected: yes. Observed: 1 variant allele.
Comment: AGBL2: BP4, BS2

Labcorp Genetics (formerly Invitae), Labcorp
Classification: Likely benign. Last evaluated: 2019-12-31. Review status: criteria provided, single submitter. Criteria: Invitae Variant Classification Sherloc (09022015). Collection method: clinical testing. Allele origin: germline.

Breakthrough Genomics
Classification: Likely benign. Review status: criteria provided, single submitter. Criteria: ACMG Guidelines, 2015. Collection method: not provided. Allele origin: germline. Inheritance: Unknown mechanism. Affected: yes.

NM_024783.4(AGBL2):c.198G>C (p.Leu66Phe)

Gene: AGBL2 (AGBL carboxypeptidase 2; minus strand). Cytogenetic location: 11p11.2.
Variant type: single nucleotide variant.
Coding change: c.198G>C on transcript NM_024783.4 (MANE Select); coding-DNA position 198, G replaced by C.
Protein change: p.Leu66Phe; replaces leucine 66 with phenylalanine.
Molecular consequence: missense variant.
Genome position (GRCh38, 1-based): chr11:47,710,411, C>G on the plus strand (G>C on the coding strand, the complement: AGBL2 is on the minus strand). VCF-style: chr11-47710411-C-G. GRCh37 (hg19) VCF-style: chr11-47731963-C-G.
Other names: short protein forms L66F.
Identifiers: ClinVar variation 734243 (VCV000734243.29), dbSNP rs139962624, ClinGen allele CA5979458.
Genomic context (GRCh38, chr11:47,710,411, plus strand): 5'-GGTCACACATACTGATTGTTACTCACATAGAAGCTTCTCCTTTTGCAGGGTGTCTGGTAT[C>G]AAATCATCTTTTTCCCCAAGAGAGCCATTCAACAGGCATTGAGGGTTATTCTTCCGAACA-3'
Protein context (NP_079059.2, residues 56-76): LNGSLGEKDD[Leu66Phe]IPDTLQKEKL